The following is an entry in ClinVar:

ClinVar aggregate classification (germline): Pathogenic (0 of 4 stars; one submission).

Conditions:
Intellectual developmental disorder, X-linked, syndromic, Siderius type. Also called: Syndromic X-linked intellectual disability Siderius type. Identifiers: Orphanet 85287, MedGen C1846055, MONDO:0010286, OMIM 300263.

Submission:

Baylor Genetics
Classification: Pathogenic for Intellectual developmental disorder, X-linked, syndromic, Siderius type. Last evaluated: 2014-04-18. Review status: no assertion criteria provided. Collection method: clinical testing. Allele origin: maternal. Inheritance: X-linked inheritance. Affected: yes. Observed: 1 variant allele, 1 hemizygote.
Comment: The PHF8 variant is categorized as deleterious according to ACMGG guidelines [PMID: 18414213].

NM_015107.3(PHF8):c.377del (p.Leu126fs)

Gene: PHF8 (PHD finger protein 8; minus strand). Cytogenetic location: Xp11.22.
Variant type: Deletion.
Coding change: c.377del on transcript NM_015107.3 (MANE Select); coding-DNA position 377, one base deleted (T; older notation c.377delT).
Protein change: p.Leu126fs; shifts the reading frame from leucine 126.
Molecular consequence: frameshift variant.
Genome position (GRCh38, 1-based): chrX:54,017,738, A deleted on the plus strand (T on the coding strand, the reverse complement: PHF8 is on the minus strand). VCF-style (leftmost placement, unchanged base first): chrX-54017737-CA-C. GRCh37 (hg19) VCF-style: chrX-54044170-CA-C.
Other names: c.485del, p.Leu162fs (NM_001184896.1); c.377del, p.Leu126fs (NM_001184897.2, NM_001184898.2); short protein forms L162fs, L126fs.
Identifiers: ClinVar variation 374402 (VCV000374402.2), dbSNP rs1057518729, ClinGen allele CA16043713.